The following is an entry in ClinVar:

ClinVar aggregate classification (germline): Uncertain significance (1 of 4 stars; one submission).

Allele frequency attached by ClinVar (database versions not stated): gnomAD exomes below 0.00001; TOPMed below 0.00001.
gnomAD v4.1: 2 of 1,606,930 alleles (0.00012%); highest among the groups gnomAD compares: South Asian, 0.0011%; no homozygotes.

Submission:

GeneDx
Classification: Uncertain significance. Last evaluated: 2022-10-18. Review status: criteria provided, single submitter. Criteria: GeneDx Variant Classification Process June 2021. Collection method: clinical testing. Allele origin: germline. Affected: yes.
Comment: Not observed at significant frequency in large population cohorts (gnomAD); In silico analysis supports that this missense variant has a deleterious effect on protein structure/function; Has not been previously published as pathogenic or benign to our knowledge

NM_021096.4(CACNA1I):c.2191C>T (p.Arg731Trp)

Gene: CACNA1I (calcium voltage-gated channel subunit alpha1 I; plus strand). Cytogenetic location: 22q13.1.
Variant type: single nucleotide variant.
Coding change: c.2191C>T on transcript NM_021096.4 (MANE Select); coding-DNA position 2191, C replaced by T.
Protein change: p.Arg731Trp; replaces arginine 731 with tryptophan.
Molecular consequence: missense variant.
Genome position (GRCh38, 1-based): chr22:39,658,977, C>T. VCF-style: chr22-39658977-C-T. GRCh37 (hg19) VCF-style: chr22-40054982-C-T.
Other names: c.2086C>T, p.Arg696Trp (NM_001003406.2); short protein forms R696W, R731W.
Identifiers: ClinVar variation 2499890 (VCV002499890.1), dbSNP rs1569085673, ClinGen allele CA411651460.
Genomic context (GRCh38, chr22:39,658,977, plus strand): 5'-CTGCGGGACCGCAGCATCTGGGAGATTGTGGGGCAGGCGGACGGTGGGCTGTCGGTGCTG[C>T]GGACCTTCCGGCTGCTGCGCGTGCTGAAACTGGTGCGCTTCATGCCTGCCCTGCGGCGCC-3'
Protein context (NP_066919.2, residues 721-741): GQADGGLSVL[Arg731Trp]TFRLLRVLKL